The following is an entry in ClinVar:

NC_000003.11:g.(?_10180443)_(10183830_?)del

Gene: VHL (von Hippel-Lindau tumor suppressor; plus strand). Cytogenetic location: 3p25.3.
Variant type: Deletion.
Identifiers: ClinVar variation 3246839 (VCV003246839.1).

ClinVar aggregate classification (germline): Pathogenic (1 of 4 stars; one submission).

Conditions:
Chuvash polycythemia. Also called: POLYCYTHEMIA, VHL-DEPENDENT. Identifiers: Orphanet 238557, MedGen C1837915, MONDO:0009892, OMIM 263400.
Von Hippel-Lindau syndrome (VHLS). Also called: VHL syndrome; Von Hippel-Lindau; von Hippel–Lindau syndrome. Identifiers: Orphanet 892, MedGen C0019562, MONDO:0008667, OMIM 193300. Disease mechanism: loss of function.

Submission:

Labcorp Genetics (formerly Invitae), Labcorp
Classification: Pathogenic for Von Hippel-Lindau syndrome; Chuvash polycythemia. Last evaluated: 2020-07-15. Review status: criteria provided, single submitter. Criteria: Invitae Variant Classification Sherloc (09022015). Collection method: clinical testing. Allele origin: unknown.
Comment: For these reasons, this variant has been classified as Pathogenic. Loss-of-function variants in VHL are known to be pathogenic (PMID: 8956040, 12202531). This variant has not been reported in the literature in individuals with VHL-related conditions. This variant is a gross deletion of the genomic region encompassing part of exon 1 of the VHL gene (c.-3089_300del), which includes the initiator codon. This is expected to result in an absent or disrupted protein product.

Literature cited by the submitters: PubMed 8956040; PubMed 12202531.